The following is an entry in ClinVar:

ClinVar aggregate classification (germline): Uncertain significance (1 of 4 stars; one submission).

Allele frequency attached by ClinVar (database versions not stated): gnomAD exomes below 0.00001; TOPMed below 0.00001.
gnomAD v4.1: 2 of 1,613,948 alleles (0.00012%); no homozygotes.

Submission:

Labcorp Genetics (formerly Invitae), Labcorp
Classification: Uncertain significance. Last evaluated: 2024-10-26. Review status: criteria provided, single submitter. Criteria: Invitae Variant Classification Sherloc (09022015). Collection method: clinical testing. Allele origin: germline.
Comment: This sequence change replaces glutamine, which is neutral and polar, with histidine, which is basic and polar, at codon 431 of the KIAA1549 protein (p.Gln431His). This variant is present in population databases (no rsID available, gnomAD 0.01%). This variant has not been reported in the literature in individuals affected with KIAA1549-related conditions. ClinVar contains an entry for this variant (Variation ID: 1959220). An algorithm developed to predict the effect of missense changes on protein structure and function outputs the following: PolyPhen-2: "Benign". The histidine amino acid residue is found in multiple mammalian species, which suggests that this missense change does not adversely affect protein function. In summary, the available evidence is currently insufficient to determine the role of this variant in disease. Therefore, it has been classified as a Variant of Uncertain Significance.

NM_001164665.2(KIAA1549):c.1293A>C (p.Gln431His)

Gene: KIAA1549 (KIAA1549; minus strand). Cytogenetic location: 7q34.
Variant type: single nucleotide variant.
Coding change: c.1293A>C on transcript NM_001164665.2 (MANE Select); coding-DNA position 1293, A replaced by C.
Protein change: p.Gln431His; replaces glutamine 431 with histidine.
Molecular consequence: missense variant.
Genome position (GRCh38, 1-based): chr7:138,918,333, T>G on the plus strand (A>C on the coding strand, the complement: KIAA1549 is on the minus strand). VCF-style: chr7-138918333-T-G. GRCh37 (hg19) VCF-style: chr7-138603079-T-G.
Other names: c.1293A>C, p.Gln431His (NM_020910.3); short protein forms Q431H.
Identifiers: ClinVar variation 1959220 (VCV001959220.4), dbSNP rs1165842793, ClinGen allele CA369399302.